The following is an entry in ClinVar:

ClinVar aggregate classification (germline): Uncertain significance (1 of 4 stars; one submission).

Conditions:
Classic homocystinuria. Also called: Homocystinuria due to Cystathionine Beta-Synthase Deficiency; Homocystinuria due to CBS deficiency; Cystathionine beta-synthase deficiency; CBS deficiency; HOMOCYSTINURIA WITH OR WITHOUT RESPONSE TO PYRIDOXINE. Identifiers: Orphanet 394, MedGen C0751202, MONDO:0009352, OMIM 236200.

Submission:

Myriad Genetics, Inc.
Classification: Uncertain significance for Classic homocystinuria. Last evaluated: 2026-01-09. Review status: criteria provided, single submitter. Criteria: Myriad Autosomal Dominant, Autosomal Recessive and X-Linked Classification Criteria (2023). Collection method: clinical testing. Allele origin: unknown.
Comment: NM_000071.2(CBS):c.517A>G(M173V) is a missense variant classified as a variant of uncertain significance in the context of homocystinuria, CBS-related. M173V has been observed in a case with relevant disease (PMID: 16479318). Relevant functional assessments of this variant are not available in the literature. M173V has not been observed in referenced population frequency databases. In summary, there is insufficient evidence to classify NM_000071.2(CBS):c.517A>G(M173V) as pathogenic or benign. Please note: this variant was assessed in the context of healthy population screening.

Literature cited by the submitters: PubMed 16479318.

NM_000071.3(CBS):c.517A>G (p.Met173Val)

Gene: CBS (cystathionine beta-synthase; minus strand). Cytogenetic location: 21q22.3.
Variant type: single nucleotide variant.
Coding change: c.517A>G on transcript NM_000071.3 (MANE Select); coding-DNA position 517, A replaced by G.
Protein change: p.Met173Val; replaces methionine 173 with valine.
Molecular consequence: missense variant.
Genome position (GRCh38, 1-based): chr21:43,065,630, T>C on the plus strand (A>G on the coding strand, the complement: CBS is on the minus strand). VCF-style: chr21-43065630-T-C. GRCh37 (hg19) VCF-style: chr21-44485740-T-C.
Other names: c.517A>G, p.Met173Val (NM_001178008.3, NM_001178009.3, NM_001320298.2); c.202A>G, p.Met68Val (NM_001321072.1); short protein forms M173V, M68V.
Identifiers: ClinVar variation 5004919 (VCV005004919.1).